The following is an entry in ClinVar:

NM_001042492.3(NF1):c.5107A>G (p.Ser1703Gly)

Gene: NF1 (neurofibromin 1; plus strand). Cytogenetic location: 17q11.2.
Variant type: single nucleotide variant.
Coding change: c.5107A>G on transcript NM_001042492.3 (MANE Select); coding-DNA position 5107, A replaced by G.
Protein change: p.Ser1703Gly; replaces serine 1703 with glycine.
Molecular consequence: missense variant.
Genome position (GRCh38, 1-based): chr17:31,326,091, A>G. VCF-style: chr17-31326091-A-G. GRCh37 (hg19) VCF-style: chr17-29653109-A-G.
Other names: c.5044A>G, p.Ser1682Gly (NM_000267.4); short protein forms S1703G, S1682G.
Identifiers: ClinVar variation 457739 (VCV000457739.16), dbSNP rs1555533374, ClinGen allele CA399007626.

ClinVar aggregate classification (germline): Uncertain significance. Review status: criteria provided, multiple submitters, no conflicts (2 of 4 stars). 5 submissions from 5 submitters: Uncertain significance (5). Last evaluated 2025-12-04.

Conditions:
Hereditary cancer-predisposing syndrome. Also called: Neoplastic Syndromes, Hereditary; Tumor predisposition; Hereditary neoplastic syndrome; Hereditary Cancer Syndrome. Identifiers: Orphanet 140162, MedGen C0027672, MeSH D009386, MONDO:0015356.
Cardiovascular phenotype. Identifiers: MedGen CN230736.
Neurofibromatosis, type 1 (NF1). Also called: Peripheral type neurofibromatosis; VON RECKLINGHAUSEN DISEASE; NEUROFIBROMATOSIS, TYPE I, SOMATIC; Neurofibromatosis, type I. Identifiers: Orphanet 636, MedGen C0027831, MONDO:0018975, OMIM 162200. Disease mechanism: loss of function.

gnomAD v4.1: 1 of 1,613,768 alleles (0.000062%); highest among the groups gnomAD compares: Non-Finnish European, 0.000085%; no homozygotes.

Submissions (5):

Dasa
Classification: Uncertain significance. Last evaluated: 2025-12-04. Review status: criteria provided, single submitter. Criteria: DASA Assertion Criteria. Collection method: clinical testing. Allele origin: germline.
Comment: NM_001042492.3(NF1):c.5107A>G (p.Ser1703Gly) is a missense variant that results in the substitution of serine with glycine. This variant is rare in population databases. The currently available literature and clinical evidence are not sufficient to establish a definitive association between this variant and the reported condition. Therefore, this variant is classified as a variant of uncertain significance.

Ambry Genetics
Classification: Uncertain significance for Cardiovascular phenotype; Hereditary cancer-predisposing syndrome. Last evaluated: 2024-10-25. Review status: criteria provided, single submitter. Criteria: Ambry Variant Classification Scheme 2023. Collection method: clinical testing. Allele origin: germline.
Comment: The p.S1682G variant (also known as c.5044A>G), located in coding exon 36 of the NF1 gene, results from an A to G substitution at nucleotide position 5044. The serine at codon 1682 is replaced by glycine, an amino acid with similar properties. This amino acid position is conserved. In addition, the in silico prediction for this alteration is inconclusive. Since supporting evidence is limited at this time, the clinical significance of this alteration remains unclear.

Labcorp Genetics (formerly Invitae), Labcorp
Classification: Uncertain significance for Neurofibromatosis, type 1. Last evaluated: 2024-08-07. Review status: criteria provided, single submitter. Criteria: Invitae Variant Classification Sherloc (09022015). Collection method: clinical testing. Allele origin: germline.
Comment: This sequence change replaces serine, which is neutral and polar, with glycine, which is neutral and non-polar, at codon 1682 of the NF1 protein (p.Ser1682Gly). This variant is not present in population databases (gnomAD no frequency). This variant has not been reported in the literature in individuals affected with NF1-related conditions. ClinVar contains an entry for this variant (Variation ID: 457739). Advanced modeling of protein sequence and biophysical properties (such as structural, functional, and spatial information, amino acid conservation, physicochemical variation, residue mobility, and thermodynamic stability) has been performed at Invitae for this missense variant, however the output from this modeling did not meet the statistical confidence thresholds required to predict the impact of this variant on NF1 protein function. In summary, the available evidence is currently insufficient to determine the role of this variant in disease. Therefore, it has been classified as a Variant of Uncertain Significance.

Blueprint Genetics
Classification: Uncertain significance. Last evaluated: 2022-11-15. Review status: criteria provided, single submitter. Criteria: ACMG Guidelines, 2015. Collection method: clinical testing. Allele origin: germline.

GeneDx
Classification: Uncertain significance. Last evaluated: 2022-05-24. Review status: criteria provided, single submitter. Criteria: GeneDx Variant Classification Process June 2021. Collection method: clinical testing. Allele origin: germline. Affected: yes.
Comment: Not observed at significant frequency in large population cohorts (gnomAD); In silico analysis supports that this missense variant does not alter protein structure/function; Has not been previously published as pathogenic or benign to our knowledge